The following is an entry in ClinVar:

ClinVar aggregate classification (germline): Pathogenic (1 of 4 stars; one submission).

Conditions:
Spastic paraplegia. Identifiers: MedGen C0037772, HP:0001258.

Allele frequency attached by ClinVar (database versions not stated): gnomAD exomes below 0.00001.
gnomAD v4.1: 4 of 1,613,936 alleles (0.00025%); highest among the groups gnomAD compares: Non-Finnish European, 0.00034%; no homozygotes.

Submission:

Labcorp Genetics (formerly Invitae), Labcorp
Classification: Pathogenic for Spastic paraplegia. Last evaluated: 2023-02-24. Review status: criteria provided, single submitter. Criteria: Invitae Variant Classification Sherloc (09022015). Collection method: clinical testing. Allele origin: germline.
Comment: This sequence change creates a premature translational stop signal (p.Gln2971*) in the SACS gene. While this is not anticipated to result in nonsense mediated decay, it is expected to disrupt the last 1609 amino acid(s) of the SACS protein. For these reasons, this variant has been classified as Pathogenic. This variant disrupts a region of the SACS protein in which other variant(s) (p.Asn4549Asp) have been determined to be pathogenic (PMID: 15156359, 21507954). This suggests that this is a clinically significant region of the protein, and that variants that disrupt it are likely to be disease-causing. This variant has not been reported in the literature in individuals affected with SACS-related conditions. This variant is not present in population databases (gnomAD no frequency).

Literature cited by the submitters: PubMed 15156359; PubMed 21507954.

NM_014363.6(SACS):c.8911C>T (p.Gln2971Ter)

Gene: SACS (sacsin molecular chaperone; minus strand). Cytogenetic location: 13q12.12.
Variant type: single nucleotide variant.
Coding change: c.8911C>T on transcript NM_014363.6 (MANE Select); coding-DNA position 8911, C replaced by T.
Protein change: p.Gln2971Ter; replaces glutamine 2971 with a stop codon.
Molecular consequence: nonsense.
Genome position (GRCh38, 1-based): chr13:23,334,965, G>A on the plus strand (C>T on the coding strand, the complement: SACS is on the minus strand). VCF-style: chr13-23334965-G-A. GRCh37 (hg19) VCF-style: chr13-23909104-G-A.
Other names: c.8470C>T, p.Gln2824Ter (NM_001278055.2); short protein forms Q2971*, Q2824*.
Identifiers: ClinVar variation 2840434 (VCV002840434.3), dbSNP rs2542209540, ClinGen allele CA387515603.